The following is an entry in ClinVar:

NM_004656.4(BAP1):c.1212C>T (p.Asp404=)

Gene: BAP1 (BRCA1 associated deubiquitinase 1; minus strand). Cytogenetic location: 3p21.1.
Variant type: single nucleotide variant.
Coding change: c.1212C>T on transcript NM_004656.4 (MANE Select); coding-DNA position 1212, C replaced by T.
Protein change: p.Asp404=; no amino-acid change (aspartic acid 404 retained).
Molecular consequence: synonymous variant.
Genome position (GRCh38, 1-based): chr3:52,404,491, G>A on the plus strand (C>T on the coding strand, the complement: BAP1 is on the minus strand). VCF-style: chr3-52404491-G-A. GRCh37 (hg19) VCF-style: chr3-52438507-G-A.
Identifiers: ClinVar variation 628594 (VCV000628594.15), dbSNP rs140998455, ClinGen allele CA74741369.

ClinVar aggregate classification (germline): Benign/Likely benign. Review status: criteria provided, multiple submitters, no conflicts (2 of 4 stars). 4 submissions from 4 submitters: Benign (1); Likely benign (3). Last evaluated 2026-01-28.

Conditions:
Hereditary cancer-predisposing syndrome. Also called: Neoplastic Syndromes, Hereditary; Tumor predisposition; Hereditary neoplastic syndrome; Hereditary Cancer Syndrome. Identifiers: Orphanet 140162, MedGen C0027672, MeSH D009386, MONDO:0015356.
BAP1-related tumor predisposition syndrome (TPDS1). Also called: Tumor susceptibility linked to germline BAP1 mutations; BAP1 tumor predisposition syndrome; TUMOR PREDISPOSITION SYNDROME 1; COMMON Syndrome. Identifiers: Orphanet 289539, MedGen C3280492, MONDO:0013692, OMIM 614327.

gnomAD v4.1: 7 of 1,614,128 alleles (0.00043%); highest among the groups gnomAD compares: African/African-American, 0.0027%; no homozygotes.

Submissions (4):

Labcorp Genetics (formerly Invitae), Labcorp
Classification: Likely benign for BAP1-related tumor predisposition syndrome. Last evaluated: 2026-01-28. Review status: criteria provided, single submitter. Criteria: Invitae Variant Classification Sherloc (09022015). Collection method: clinical testing. Allele origin: germline.

Myriad Genetics, Inc.
Classification: Benign for BAP1-related tumor predisposition syndrome. Last evaluated: 2024-07-15. Review status: criteria provided, single submitter. Criteria: Myriad Autosomal Dominant, Autosomal Recessive and X-Linked Classification Criteria (2023). Collection method: clinical testing. Allele origin: unknown.
Comment: This variant is considered benign. This variant is a silent/synonymous amino acid change and it is not expected to impact splicing.

Ambry Genetics
Classification: Likely benign for Hereditary cancer-predisposing syndrome. Last evaluated: 2020-03-05. Review status: criteria provided, single submitter. Criteria: Ambry Variant Classification Scheme 2023. Collection method: clinical testing. Allele origin: germline.

Color Diagnostics, LLC DBA Color Health
Classification: Likely benign for Hereditary cancer-predisposing syndrome. Last evaluated: 2016-07-27. Review status: criteria provided, single submitter. Criteria: ACMG Guidelines, 2015. Collection method: clinical testing. Allele origin: germline.